The following is an entry in ClinVar:

NM_001004356.3(FGFRL1):c.1459C>T (p.His487Tyr)

Gene: FGFRL1 (fibroblast growth factor receptor like 1; plus strand). Cytogenetic location: 4p16.3.
Variant type: single nucleotide variant.
Coding change: c.1459C>T on transcript NM_001004356.3 (MANE Select); coding-DNA position 1459, C replaced by T.
Protein change: p.His487Tyr; replaces histidine 487 with tyrosine.
Molecular consequence: missense variant.
Genome position (GRCh38, 1-based): chr4:1,025,291, C>T. VCF-style: chr4-1025291-C-T. GRCh37 (hg19) VCF-style: chr4-1019079-C-T.
Other names: c.1459C>T, p.His487Tyr (NM_001004358.1, NM_001370296.1, NM_021923.3); c.1459C>T (NM_001004356.2); short protein forms H487Y.
Identifiers: ClinVar variation 2873137 (VCV002873137.4), dbSNP rs2534156483, ClinGen allele CA355936417.

ClinVar aggregate classification (germline): Uncertain significance. Review status: criteria provided, multiple submitters, no conflicts (2 of 4 stars). 2 submissions from 2 submitters: Uncertain significance (2). Last evaluated 2024-12-07.

Allele frequency attached by ClinVar (database versions not stated): gnomAD exomes below 0.00001.
gnomAD v4.1: 2 of 1,574,724 alleles (0.00013%); highest among the groups gnomAD compares: Non-Finnish European, 0.00017%; no homozygotes.

Submissions (2):

Ambry Genetics
Classification: Uncertain significance. Last evaluated: 2024-12-07. Review status: criteria provided, single submitter. Criteria: Ambry Variant Classification Scheme 2023. Collection method: clinical testing. Allele origin: germline.

Labcorp Genetics (formerly Invitae), Labcorp
Classification: Uncertain significance. Last evaluated: 2023-03-20. Review status: criteria provided, single submitter. Criteria: Invitae Variant Classification Sherloc (09022015). Collection method: clinical testing. Allele origin: germline.
Comment: This sequence change replaces histidine, which is basic and polar, with tyrosine, which is neutral and polar, at codon 487 of the FGFRL1 protein (p.His487Tyr). This variant is not present in population databases (gnomAD no frequency). This variant has not been reported in the literature in individuals affected with FGFRL1-related conditions. An algorithm developed to predict the effect of missense changes on protein structure and function (PolyPhen-2) suggests that this variant is likely to be tolerated. In summary, the available evidence is currently insufficient to determine the role of this variant in disease. Therefore, it has been classified as a Variant of Uncertain Significance.